The following is an entry in ClinVar:

NM_198904.4(GABRG2):c.940A>T (p.Thr314Ser)

Gene: GABRG2 (gamma-aminobutyric acid type A receptor subunit gamma2; plus strand). Cytogenetic location: 5q34.
Variant type: single nucleotide variant.
Coding change: c.940A>T on transcript NM_198904.4 (MANE Select); coding-DNA position 940, A replaced by T.
Protein change: p.Thr314Ser; replaces threonine 314 with serine.
Molecular consequence: missense variant. On other transcripts: intron variant (1).
Genome position (GRCh38, 1-based): chr5:162,149,125, A>T. VCF-style: chr5-162149125-A-T. GRCh37 (hg19) VCF-style: chr5-161576131-A-T.
Other names: c.940A>T, p.Thr314Ser (NM_000816.3); c.931A>T, p.Thr311Ser (NM_001375339.1); c.937A>T, p.Thr313Ser (NM_001375341.1, NM_001375342.1); c.1060A>T, p.Thr354Ser (NM_001375343.1, NM_198903.2); c.979A>T, p.Thr327Ser (NM_001375344.1); c.874A>T, p.Thr292Ser (NM_001375345.1, NM_001375346.1); c.853A>T, p.Thr285Ser (NM_001375347.1); c.520A>T, p.Thr174Ser (NM_001375348.1, NM_001375350.1); and 2 more; short protein forms T174S, T313S, T219S, T285S, T292S, T311S, T314S, T327S.
Identifiers: ClinVar variation 1516815 (VCV001516815.8), dbSNP rs2113632555, ClinGen allele CA362182330.
Genomic context (GRCh38, chr5:162,149,125, plus strand): 5'-GCTTATGCAATCACATGACCTGTATTATTACACCTCTCTTCAGGTATCACCACTGTCCTG[A>T]CAATGACCACCCTCAGCACCATTGCCCGGAAATCGCTCCCCAAGGTCTCCTATGTCACAG-3'
Protein context (NP_944494.1, residues 304-324): RTSLGITTVL[Thr314Ser]MTTLSTIARK

ClinVar aggregate classification (germline): Pathogenic (1 of 4 stars; one submission).

Conditions:
Febrile seizures, familial, 8 (FEB8). Also called: CONVULSIONS, FAMILIAL FEBRILE, 8. Identifiers: Orphanet 36387, MedGen C1969810, MONDO:0011891, OMIM 607681.
EPILEPSY, CHILDHOOD ABSENCE, SUSCEPTIBILITY TO, 2 (ECA2). Identifiers: Orphanet 64280, MedGen C1843244, OMIM 607681.

Submission:

Labcorp Genetics (formerly Invitae), Labcorp
Classification: Pathogenic for Febrile seizures, familial, 8; EPILEPSY, CHILDHOOD ABSENCE, SUSCEPTIBILITY TO, 2. Last evaluated: 2022-02-18. Review status: criteria provided, single submitter. Criteria: Invitae Variant Classification Sherloc (09022015). Collection method: clinical testing. Allele origin: germline.
Comment: For these reasons, this variant has been classified as Pathogenic. Advanced modeling of protein sequence and biophysical properties (such as structural, functional, and spatial information, amino acid conservation, physicochemical variation, residue mobility, and thermodynamic stability) performed at Invitae indicates that this missense variant is expected to disrupt GABRG2 protein function. This missense change has been observed in individual(s) with clinical features of developmental and epileptic encephalopathy (Invitae). In at least one individual the variant was observed to be de novo. This variant is not present in population databases (gnomAD no frequency). This sequence change replaces threonine, which is neutral and polar, with serine, which is neutral and polar, at codon 314 of the GABRG2 protein (p.Thr314Ser).